The following is an entry in ClinVar:

ClinVar aggregate classification (germline): Uncertain significance (1 of 4 stars; one submission).

Conditions:
Familial meningioma. Also called: Meningioma, familial, susceptibility to. Identifiers: Orphanet 263662, MedGen C3551915, MONDO:0011789, OMIM 607174.

Submission:

Labcorp Genetics (formerly Invitae), Labcorp
Classification: Uncertain significance for Familial meningioma. Last evaluated: 2021-02-28. Review status: criteria provided, single submitter. Criteria: Invitae Variant Classification Sherloc (09022015). Collection method: clinical testing. Allele origin: germline.
Comment: In summary, the available evidence is currently insufficient to determine the role of this variant in disease. Therefore, it has been classified as a Variant of Uncertain Significance. This sequence change replaces arginine with glycine at codon 50 of the SMARCE1 protein (p.Arg50Gly). The arginine residue is moderately conserved and there is a moderate physicochemical difference between arginine and glycine. This variant is not present in population databases (ExAC no frequency). This variant has not been reported in the literature in individuals with SMARCE1-related conditions. Algorithms developed to predict the effect of missense changes on protein structure and function are either unavailable or do not agree on the potential impact of this missense change (SIFT: "Deleterious"; PolyPhen-2: "Benign"; Align-GVGD: "Class C0").

NM_003079.5(SMARCE1):c.148C>G (p.Arg50Gly)

Gene: SMARCE1 (SWI/SNF related BAF chromatin remodeling complex subunit E1; minus strand). Cytogenetic location: 17q21.2.
Variant type: single nucleotide variant.
Coding change: c.148C>G on transcript NM_003079.5 (MANE Select); coding-DNA position 148, C replaced by G.
Protein change: p.Arg50Gly; replaces arginine 50 with glycine.
Molecular consequence: missense variant.
Genome position (GRCh38, 1-based): chr17:40,642,463, G>C on the plus strand (C>G on the coding strand, the complement: SMARCE1 is on the minus strand). VCF-style: chr17-40642463-G-C. GRCh37 (hg19) VCF-style: chr17-38798715-G-C.
Other names: short protein forms R50G.
Identifiers: ClinVar variation 1513968 (VCV001513968.8), dbSNP rs2037209097, ClinGen allele CA399369551.